The following is an entry in ClinVar:

ClinVar aggregate classification (germline): Likely benign (1 of 4 stars; one submission).

Conditions:
Neuroblastoma (NB). Identifiers: Orphanet 635, MedGen C0027819, MeSH D009447, MONDO:0005072, HP:0003006.

Allele frequency attached by ClinVar (database versions not stated): gnomAD 0.00022 and 0.00036; TOPMed 0.00029; 1000 Genomes Project 30x 0.00125; 1000 Genomes Project 0.00140; gnomAD exomes 0.00468.
gnomAD v4.1: 208 of 188,212 alleles (0.11%); highest among the groups gnomAD compares: East Asian, 1.7%; 2 homozygotes.

Submission:

Illumina Laboratory Services, Illumina
Classification: Likely benign for Neuroblastoma. Last evaluated: 2018-01-12. Review status: criteria provided, single submitter. Criteria: ICSL Variant Classification Criteria 13 December 2019. Collection method: clinical testing. Allele origin: germline.
Comment: This variant was observed in the ICSL laboratory as part of a predisposition screen in an ostensibly healthy population. It had not been previously curated by ICSL or reported in the Human Gene Mutation Database (HGMD: prior to June 1st, 2018), and was therefore a candidate for classification through an automated scoring system. Utilizing variant allele frequency, disease prevalence and penetrance estimates, and inheritance mode, an automated score was calculated to assess if this variant is too frequent to cause the disease. Based on the score and internal cut-off values, a variant classified as likely benign is not then subjected to further curation. The score for this variant resulted in a classification of likely benign for this disease.

NM_001365951.3(KIF1B):c.*1117C>T

Gene: KIF1B (kinesin family member 1B; plus strand). Cytogenetic location: 1p36.22.
Variant type: single nucleotide variant.
Coding change: c.*1117C>T on transcript NM_001365951.3 (MANE Select); 1117 bases downstream of the stop codon, C replaced by T.
Molecular consequence: 3 prime UTR variant.
Genome position (GRCh38, 1-based): chr1:10,377,704, C>T. VCF-style: chr1-10377704-C-T. GRCh37 (hg19) VCF-style: chr1-10437762-C-T.
Other names: c.*1117C>T (NM_001365952.1, NM_015074.3).
Identifiers: ClinVar variation 291604 (VCV000291604.5), dbSNP rs182518399, ClinGen allele CA10607238.